The following is an entry in ClinVar:

ClinVar aggregate classification (germline): not provided (0 of 4 stars; one submission).

Allele frequency attached by ClinVar (database versions not stated): 1000 Genomes Project 30x 0.00016; gnomAD 0.00032 and 0.00036; TOPMed 0.00049.

Submission:

Human Evolutionary Genetics, Institut Pasteur
No classification provided. Review status: no classification provided. Collection method: not provided. Allele origin: germline.
ClinVar note: Converted during submission from untested to not provided.

NM_033004.4(NLRP1):c.-159C>T

Genes: NLRP1 (NLR family pyrin domain containing 1; minus strand), LOC126862475 (CDK7 strongly-dependent group 2 enhancer GRCh37_chr17:5487167-5488366; plus strand). Cytogenetic location: 17p13.2.
Variant type: single nucleotide variant.
Coding change: c.-159C>T on transcript NM_033004.4 (MANE Select); 159 bases upstream of the start codon, C replaced by T.
Molecular consequence: 5 prime UTR variant.
Genome position (GRCh38, 1-based): chr17:5,584,116, G>A on the plus strand (C>T on the coding strand, the complement: NLRP1 is on the minus strand). VCF-style: chr17-5584116-G-A. GRCh37 (hg19) VCF-style: chr17-5487436-G-A.
Other names: c.-159C>T (NM_001033053.3, NM_014922.5, NM_033006.4 and 1 more transcripts).
Identifiers: ClinVar variation 103014 (VCV000103014.2), dbSNP rs199475699, ClinGen allele CA018433.